The following is an entry in ClinVar:

NM_025216.3(WNT10A):c.983_984del (p.Arg328fs)

Gene: WNT10A (Wnt family member 10A; plus strand). Cytogenetic location: 2q35.
Variant type: Microsatellite.
Coding change: c.983_984del on transcript NM_025216.3 (MANE Select); coding-DNA positions 983 to 984, 2 bases deleted (GC; older notation c.983_984delGC).
Protein change: p.Arg328fs; shifts the reading frame from arginine 328.
Molecular consequence: frameshift variant.
Genome position (GRCh38, 1-based): chr2:218,893,000-218,893,001, GC deleted; deleting any 2 consecutive bases within chr2:218,892,997-218,893,001 gives the same sequence; the c. name uses the placement nearest the transcript's 3' end. VCF-style (leftmost placement, unchanged base first): chr2-218892996-CCG-C. GRCh37 (hg19) VCF-style: chr2-219757718-CCG-C.
Other names: short protein forms R328fs.
Identifiers: ClinVar variation 2076317 (VCV002076317.4), dbSNP rs2469037169, ClinGen allele CA2580616697.

ClinVar aggregate classification (germline): Pathogenic (1 of 4 stars; one submission).

Conditions:
Odonto-onycho-dermal dysplasia. Identifiers: Orphanet 2721, MedGen C0796093, MONDO:0009773, OMIM 257980.
Tooth agenesis, selective, 4 (STHAG4). Also called: SUCCEDANEOUS TEETH, AGENESIS OF; LATERAL INCISORS, ABSENCE OF; LATERAL INCISORS, PEGGED OR MISSING; TOOTH AGENESIS, SELECTIVE, 4, WITH OR WITHOUT ECTODERMAL DYSPLASIA. Identifiers: Orphanet 99798, MedGen C1835492, MONDO:0007881, OMIM 150400. Disease mechanism: loss of function.

Submission:

Labcorp Genetics (formerly Invitae), Labcorp
Classification: Pathogenic for Tooth agenesis, selective, 4; Odonto-onycho-dermal dysplasia. Last evaluated: 2022-01-06. Review status: criteria provided, single submitter. Criteria: Invitae Variant Classification Sherloc (09022015). Collection method: clinical testing. Allele origin: germline.
Comment: For these reasons, this variant has been classified as Pathogenic. This variant disrupts a region of the WNT10A protein in which other variant(s) (p.Glu390*) have been determined to be pathogenic (PMID: 24902757; Invitae). This suggests that this is a clinically significant region of the protein, and that variants that disrupt it are likely to be disease-causing. This variant has not been reported in the literature in individuals affected with WNT10A-related conditions. This variant is not present in population databases (gnomAD no frequency). This sequence change results in a frameshift in the WNT10A gene (p.Arg328Profs*99). While this is not anticipated to result in nonsense mediated decay, it is expected to disrupt the last 90 amino acid(s) of the WNT10A protein and extend the protein by 8 additional amino acid residues.

Literature cited by the submitters: PubMed 24902757.